The following is an entry in ClinVar:

ClinVar aggregate classification (germline): Uncertain significance (1 of 4 stars; one submission).

Conditions:
Hyper-IgM syndrome type 1. Also called: X-linked hyper-IgM syndrome; Immunodeficiency, X-linked, with hyper-IgM; CD40 Ligand Deficiency; Hyper-IgM Immunodeficiency Syndrome, Type 1. Identifiers: Orphanet 101088, MedGen C0398689, MONDO:0010626, OMIM 308230.

Submission:

3billion
Classification: Uncertain significance for Hyper-IgM syndrome type 1. Last evaluated: 2023-08-25. Review status: criteria provided, single submitter. Criteria: ACMG Guidelines, 2015. Collection method: clinical testing. Allele origin: germline. Affected: yes.
Comment: The variant is not observed in the gnomAD v2.1.1 dataset. Predicted Consequence/Location: Missense variant In silico tool predictions suggest damaging effect of the variant on gene or gene product [REVEL: 0.88 (>=0.6, sensitivity 0.68 and specificity 0.92); 3Cnet: 0.97 (>=0.6, sensitivity 0.72 and precision 0.9)]. A different missense change at the same codon (p.Ser222Phe) has been reported to be associated with CD40LG related disorder (PMID: 12823286). However the evidence of pathogenicity is insufficient at this time. Therefore, this variant is classified as VUS according to the recommendation of ACMG/AMP guideline.

Literature cited by the submitters: PubMed 12823286.

NM_000074.3(CD40LG):c.665C>A (p.Ser222Tyr)

Gene: CD40LG (CD40 ligand; plus strand). Cytogenetic location: Xq26.3.
Variant type: single nucleotide variant.
Coding change: c.665C>A on transcript NM_000074.3 (MANE Select); coding-DNA position 665, C replaced by A.
Protein change: p.Ser222Tyr; replaces serine 222 with tyrosine.
Molecular consequence: missense variant.
Genome position (GRCh38, 1-based): chrX:136,659,294, C>A. VCF-style: chrX-136659294-C-A. GRCh37 (hg19) VCF-style: chrX-135741453-C-A.
Other names: short protein forms S222Y.
Identifiers: ClinVar variation 3775847 (VCV003775847.1).
Genomic context (GRCh38, chrX:136,659,294, plus strand): 5'-AGAGAATCTTACTCAGAGCTGCAAATACCCACAGTTCCGCCAAACCTTGCGGGCAACAAT[C>A]CATTCACTTGGGAGGAGTATTTGAATTGCAACCAGGTGCTTCGGTGTTTGTCAATGTGAC-3'
Protein context (NP_000065.1, residues 212-232): HSSAKPCGQQ[Ser222Tyr]IHLGGVFELQ